The following is an entry in ClinVar:

ClinVar aggregate classification (germline): Uncertain significance. Review status: criteria provided, multiple submitters, no conflicts (2 of 4 stars). 8 submissions from 8 submitters: Uncertain significance (8). Last evaluated 2026-08-17.

Conditions:
Inborn genetic diseases. Identifiers: MedGen C0950123, MeSH D030342.
EPG5-related disorder. Also called: EPG5-related condition. Identifiers: MedGen CN381528.
Vici syndrome (VICIS). Identifiers: Orphanet 1493, MedGen C1855772, MONDO:0009452, OMIM 242840.

Allele frequency attached by ClinVar (database versions not stated): gnomAD 0.00006 and 0.00007; ESP Exome Variant Server 0.00008; TOPMed 0.00010; gnomAD exomes 0.00012; ExAC 0.00014.
gnomAD v4.1: 168 of 1,614,172 alleles (0.01%); highest among the groups gnomAD compares: Middle Eastern, 0.4%; 1 homozygote.

Submissions (8):

PreventionGenetics, part of Exact Sciences
Classification: Uncertain significance for EPG5-related condition. Last evaluated: 2026-08-17. Review status: criteria provided, single submitter. Criteria: ACMG Guidelines, 2015. Collection method: clinical testing. Allele origin: germline.
Comment: The EPG5 c.4034A>G variant is predicted to result in the amino acid substitution p.His1345Arg. This variant was reported in the homozygous state in an individual with Vici syndrome (supplementary file 3, Dafsari et al. 2025. PubMed ID: 41053928). This variant is reported in 0.016% of alleles in individuals of South Asian descent in gnomAD. At this time, the clinical significance of this variant is uncertain due to the absence of conclusive functional and genetic evidence.

Labcorp Genetics (formerly Invitae), Labcorp
Classification: Uncertain significance for Vici syndrome. Last evaluated: 2025-12-01. Review status: criteria provided, single submitter. Criteria: Invitae Variant Classification Sherloc (09022015). Collection method: clinical testing. Allele origin: germline.
Comment: This sequence change replaces histidine, which is basic and polar, with arginine, which is basic and polar, at codon 1345 of the EPG5 protein (p.His1345Arg). This variant is present in population databases (rs200456950, gnomAD 0.02%). This missense change has been observed in individual(s) with Vici syndrome (PMID: 41053928). ClinVar contains an entry for this variant (Variation ID: 645244). Invitae Evidence Modeling of protein sequence and biophysical properties (such as structural, functional, and spatial information, amino acid conservation, physicochemical variation, residue mobility, and thermodynamic stability) indicates that this missense variant is expected to disrupt EPG5 protein function with a positive predictive value of 80%. In summary, the available evidence is currently insufficient to determine the role of this variant in disease. Therefore, it has been classified as a Variant of Uncertain Significance.

Women's Health and Genetics/Laboratory Corporation of America, LabCorp
Classification: Uncertain significance. Last evaluated: 2025-11-05. Review status: criteria provided, single submitter. Criteria: LabCorp Variant Classification Summary - May 2015. Collection method: clinical testing. Allele origin: germline.
Comment: Variant summary: EPG5 c.4034A>G (p.His1345Arg) results in a non-conservative amino acid change in the encoded protein sequence. Algorithms developed to predict the effect of missense changes on protein structure and function are either unavailable or do not agree on the potential impact of this missense change. The variant allele was found at a frequency of 0.00012 in 249372 control chromosomes. This frequency is not significantly higher than estimated for disease-causing variants in EPG5, allowing no conclusion about variant significance. To our knowledge, no occurrence of c.4034A>G in individuals affected with EPG5-related conditions and no experimental evidence demonstrating its impact on protein function have been reported. ClinVar contains an entry for this variant (Variation ID: 645244). Based on the evidence outlined above, the variant was classified as uncertain significance.

Ambry Genetics
Classification: Uncertain significance for Inborn genetic diseases. Last evaluated: 2025-03-22. Review status: criteria provided, single submitter. Criteria: Ambry Variant Classification Scheme 2023. Collection method: clinical testing. Allele origin: germline.

Blueprint Genetics
Classification: Uncertain significance. Last evaluated: 2024-09-25. Review status: criteria provided, single submitter. Criteria: ACMG Guidelines, 2015. Collection method: clinical testing. Allele origin: germline.

Fulgent Genetics
Classification: Uncertain significance for Vici syndrome. Last evaluated: 2022-03-25. Review status: criteria provided, single submitter. Criteria: ACMG Guidelines, 2015. Collection method: clinical testing. Allele origin: unknown.

Revvity Omics, Revvity
Classification: Uncertain significance for Vici syndrome. Last evaluated: 2019-11-20. Review status: criteria provided, single submitter. Criteria: ACMG Guidelines, 2015. Collection method: clinical testing. Allele origin: germline.

Breakthrough Genomics
Classification: Uncertain significance. Review status: criteria provided, single submitter. Criteria: ACMG Guidelines, 2015. Collection method: not provided. Allele origin: germline. Inheritance: Autosomal recessive inheritance. Affected: yes.

Literature cited by the submitters: PubMed 41053928 (cited by Labcorp Genetics (formerly Invitae), Labcorp).

NM_020964.3(EPG5):c.4034A>G (p.His1345Arg)

Gene: EPG5 (ectopic P-granules 5 autophagy tethering factor; minus strand). Cytogenetic location: 18q21.1.
Variant type: single nucleotide variant.
Coding change: c.4034A>G on transcript NM_020964.3 (MANE Select); coding-DNA position 4034, A replaced by G.
Protein change: p.His1345Arg; replaces histidine 1345 with arginine.
Molecular consequence: missense variant.
Genome position (GRCh38, 1-based): chr18:45,910,692, T>C on the plus strand (A>G on the coding strand, the complement: EPG5 is on the minus strand). VCF-style: chr18-45910692-T-C. GRCh37 (hg19) VCF-style: chr18-43490657-T-C.
Other names: c.4034A>G, p.His1345Arg (LRG_1234t1); short protein forms H1345R.
Identifiers: ClinVar variation 645244 (VCV000645244.18), dbSNP rs200456950, ClinGen allele CA8948996.